The following is an entry in ClinVar:

ClinVar aggregate classification (germline): Conflicting classifications of pathogenicity. Review status: criteria provided, conflicting classifications (1 of 4 stars). 15 submissions from 15 submitters: Likely pathogenic (5); Uncertain significance (7). 3 of the submissions do not count toward it. Last evaluated 2026-09-03.

Conditions:
RAD51C-related disorder. Also called: RAD51C-related disorders; RAD51C-related condition.
Inherited ovarian cancer (without breast cancer).
Breast-ovarian cancer, familial, susceptibility to, 3. Also called: RAD51C-Related Breast/Ovarian Cancer. Identifiers: Orphanet 145, MedGen C3150659, MONDO:0013253, OMIM 613399.
Fanconi anemia complementation group O. Also called: RAD51C-Related Fanconi Anemia. Identifiers: Orphanet 84, MedGen C3150653, MONDO:0013248, OMIM 613390.
Hereditary cancer-predisposing syndrome. Also called: Neoplastic Syndromes, Hereditary; Hereditary Cancer Syndrome; Tumor predisposition; Hereditary neoplastic syndrome. Identifiers: Orphanet 140162, MedGen C0027672, MeSH D009386, MONDO:0015356.
Breast and/or ovarian cancer. Identifiers: MedGen CN221562.
Hereditary breast ovarian cancer syndrome. Also called: BRCA1- and BRCA2-Associated Hereditary Breast and Ovarian Cancer; Hereditary breast and ovarian cancer syndrome; Hereditary breast and ovarian cancer syndrome (HBOC); Hereditary breast and/or ovarian cancer syndrome; Hereditary breast and ovarian cancer; Breast and ovarian cancer. Identifiers: Orphanet 145, MedGen C0677776, MeSH D061325, MONDO:0003582. Disease mechanism: loss of function.

Allele frequency attached by ClinVar (database versions not stated): gnomAD 0.00001; TOPMed 0.00002; gnomAD exomes 0.00001.
gnomAD v4.1: 15 of 1,613,836 alleles (0.00093%); highest among the groups gnomAD compares: Admixed American, 0.0017%; no homozygotes.

Submissions 1 to 9 of 15:

GeneDx
Classification: Uncertain significance. Last evaluated: 2026-09-03. Review status: criteria provided, single submitter. Criteria: GeneDx Variant Classification Process June 2021. Collection method: clinical testing. Allele origin: germline.
Comment: Non-canonical splice variant demonstrated to result in skipping of exon 3, also observed in controls (PMID: 26845104, 31782267, 33333735, 31642931; GeneDx internal data); Not observed at significant frequency in large population cohorts (gnomAD); In silico analysis supports a deleterious effect on splicing; This variant is associated with the following publications: (PMID: 17576681, 9536098, 26845104, 31642931, 33333735, 35740625, 35728261, 32986223, 35264596, 31782267, 34326862, 35534704, 33606809, 41046341, 39299233)

German Consortium for Hereditary Breast and Ovarian Cancer, University Hospital Cologne
Classification: Likely pathogenic for Hereditary breast ovarian cancer syndrome. Last evaluated: 2026-05-05. Review status: criteria provided, single submitter. Criteria: ACMG SVI. Collection method: curation. Allele origin: germline.
Comment: Dawson (2020, PMID: 31782267): Co-segregation with disease in five multiplex families from the Newfoundland population that tested negative for variants in BRCA1, BRCA2, and other high and moderate cancer susceptibility genes; This classification follows the ACMG SVI adaptation classification scheme; We chose these criteria: PVS1 (strong pathogenic): Dawson (2020, PMID: 31782267): Ex3 skipping (patient mRNA) & Sanoguera-Miralles (2020, PMID: 33333735): PTC Δ(E3): 76.5% ± 0.3% & (E3q4): 11.6% ± 0.2%; Canonical = 5.4% ± 0.1% (--> r.[405_571del,571_572insguag,458_571del]; p.[Cys135*,Glu191Glyfs*13,Gly153_Glu190del]) , PS3 (medium pathogenic): Olvera-León (2024, PMID: 39299233): Fast depleted

Labcorp Genetics (formerly Invitae), Labcorp
Classification: Uncertain significance for Fanconi anemia complementation group O. Last evaluated: 2025-12-10. Review status: criteria provided, single submitter. Criteria: Invitae Variant Classification Sherloc (09022015). Collection method: clinical testing. Allele origin: germline.
Comment: This sequence change falls in intron 3 of the RAD51C gene. It does not directly change the encoded amino acid sequence of the RAD51C protein. It affects a nucleotide within the consensus splice site. The frequency data for this variant in the population databases is considered unreliable, as metrics indicate poor data quality at this position in the gnomAD database. This variant has been observed in individual(s) with breast and/or ovarian cancer (PMID: 26845104, 31782267, 32986223, 33606809, 34326862, 35534704). It has also been observed to segregate with disease in related individuals. ClinVar contains an entry for this variant (Variation ID: 128207). Variants that disrupt the consensus splice site are a relatively common cause of aberrant splicing (PMID: 17576681, 9536098). Studies have shown that this variant is associated with inconclusive levels of altered splicing (PMID: 26845104, 31782267; internal data). In summary, the available evidence is currently insufficient to determine the role of this variant in disease. Therefore, it has been classified as a Variant of Uncertain Significance.

Color Diagnostics, LLC DBA Color Health
Classification: Likely pathogenic for Hereditary cancer-predisposing syndrome. Last evaluated: 2025-06-02. Review status: criteria provided, single submitter. Criteria: ACMG Guidelines, 2015. Collection method: clinical testing. Allele origin: germline.
Comment: This variant causes an A to G nucleotide substitution at the +4 position of intron 3 of the RAD51C gene. Splice site prediction tools predict that this variant may have a significant impact on RNA splicing. RNA studies have shown that this variant leads to the skipping of exon 3 in studies using carrier-derived RNA or a mini-gene system (PMID: 26845104, 31782267, 33333735, 35740625). The aberrant transcript is predicted to create a premature translation stop signal and result in an absent or non-functional protein product. This variant has been reported in more than 5 individuals affected with ovarian cancer (PMID: 31782267Color internal data) and more than 10 individuals affected with breast cancer (PMID: 26845104, 31782267, 32986223, 33606809, 35264596Color internal data). This variant has been shown to segregate with breast and/or ovarian cancer, with reduced penetrance, in five multiplex families from the Newfoundland population that tested negative for variants in BRCA1, BRCA2, and other high and moderate cancer susceptibility genes (PMID: 31782267). A haplotype analysis has determined this variant to be a founder mutation in that population (PMID: 31782267). This variant has not been identified in the general population by the Genome Aggregation Database (gnomAD). Loss of RAD51C function is a known mechanism of disease. Based on the available evidence, this variant is classified as Likely Pathogenic.

Mendelics
Classification: Likely pathogenic for Hereditary breast ovarian cancer syndrome. Last evaluated: 2025-05-27. Review status: criteria provided, single submitter. Criteria: Mendelics Assertion Criteria 2017. Collection method: clinical testing. Allele origin: unknown.
Comment: This variant causes an A to G nucleotide substitution at the +4 position of intron 3 of the RAD51C gene. In silico prediction tools predict that this variant may have impact on RNA splicing. RNA studies have shown that this variant leads to the skipping of exon 3 and predicts a premature translation stop signal in the aberrant transcript (PMID: 26845104, 31782267, 33333735, 35740625). This variant has been reported in individuals with ovarian cancer (PMID: 31782267) and is enriched in ovarian cancer dataset (Mendelics internal data). It has also been observed in individuals affected with breast cancer (PMID: 26845104, 31782267, 32986223, 33606809, 35264596; Mendelics internal data). This variant has been shown to segregate with breast and/or ovarian cancer in five multiplex families from the Newfoundland population, where it seems to be a founder mutation (PMID: 31782267). Based on the available evidence, this variant is classified as Likely Pathogenic.

Ambry Genetics
Classification: Uncertain significance for Hereditary cancer-predisposing syndrome. Last evaluated: 2025-05-25. Review status: criteria provided, single submitter. Criteria: Ambry Variant Classification Scheme 2023. Collection method: clinical testing. Allele origin: germline.
Comment: The c.571+4A>G intronic variant results from an A to G substitution 4 nucleotides after coding exon 3 in the RAD51C gene. This alteration has been reported in individuals with breast and ovarian cancers, but it has also been identified in cancer free individuals (Shirts BH et al. Genet Med, 2016 10;18:974-81; Dawson LM et al. Mol Genet Genomic Med, 2020 02;8:e1070; Bandeira G et al. Breast Cancer, 2021 Mar;28:346-354; Guindalini RSC et al. Sci Rep, 2022 Mar;12:4190). Published RNA studies have identified skipping of exon 3 associated with this variant (Shirts BH et al. Genet Med, 2016 10;18:974-81; Dawson LM et al. Mol Genet Genomic Med, 2020 02;8:e1070; Sanoguera-Miralles L et al. Cancers (Basel), 2020 Dec;12). Internal RNA studies have demonstrated that this alteration results in a splice defect; however; the clinical impact of this abnormal splicing is unknown at this time (Ambry internal data). This nucleotide position is well conserved in available vertebrate species. In silico splice site analysis predicts that this alteration may weaken the native splice donor site. Based on the available evidence, the clinical significance of this variant remains unclear.

Myriad Genetics, Inc.
Classification: Likely pathogenic for Breast-ovarian cancer, familial, susceptibility to, 3. Last evaluated: 2025-02-04. Review status: criteria provided, single submitter. Criteria: Myriad Autosomal Dominant, Autosomal Recessive and X-Linked Classification Criteria (2023). Collection method: clinical testing. Allele origin: unknown.
Comment: This variant is considered likely pathogenic. Functional studies indicate this variant impacts protein function [PMID: 39299233]. mRNA analysis has demonstrated abnormal mRNA splicing occurs [PMID: 31782267, 33333735].

Genomics and Molecular Medicine Service, East Genomic Laboratory Hub, NHS Genomic Medicine Service
Classification: Uncertain significance for Inherited ovarian cancer (without breast cancer). Last evaluated: 2024-08-14. Review status: criteria provided, single submitter. Criteria: ACGS Best Practice Guidelines for Variant Classification in Rare Disease 2020. Collection method: clinical testing. Allele origin: germline. Affected: yes.
Comment: PM2_Supporting,PP3

Baylor Genetics
Classification: Uncertain significance for Breast-ovarian cancer, familial, susceptibility to, 3. Last evaluated: 2024-03-22. Review status: criteria provided, single submitter. Criteria: ACMG Guidelines, 2015. Collection method: clinical testing. Allele origin: unknown.

NM_058216.3(RAD51C):c.571+4A>G

Gene: RAD51C (RAD51 paralog C; plus strand). Cytogenetic location: 17q22.
Variant type: single nucleotide variant.
Coding change: c.571+4A>G on transcript NM_058216.3 (MANE Select); 4 bases into the intron after coding-DNA position 571, A replaced by G.
Molecular consequence: intron variant.
Genome position (GRCh38, 1-based): chr17:58,696,863, A>G. VCF-style: chr17-58696863-A-G. GRCh37 (hg19) VCF-style: chr17-56774224-A-G.
Other names: IVS3+4A>G.
Identifiers: ClinVar variation 128207 (VCV000128207.44), dbSNP rs587780257, ClinGen allele CA331904.